The following is an entry in ClinVar:

ClinVar aggregate classification (germline): Pathogenic (1 of 4 stars; one submission).

Conditions:
Early-infantile DEE. Also called: Early infantile epileptic encephalopathy with suppression bursts; Early infantile epileptic encephalopathy; Ohtahara syndrome. Identifiers: Orphanet 1934, MedGen C0393706, MONDO:0800491.

Submission:

Labcorp Genetics (formerly Invitae), Labcorp
Classification: Pathogenic for Early-infantile DEE. Last evaluated: 2018-03-15. Review status: criteria provided, single submitter. Criteria: Invitae Variant Classification Sherloc (09022015). Collection method: clinical testing. Allele origin: germline.
Comment: For these reasons, this variant has been classified as Pathogenic. Loss-of-function variants in KCNQ2 are known to be pathogenic (PMID: 14534157). This variant has not been reported in the literature in individuals with KCNQ2-related disease. This variant is not present in population databases (ExAC no frequency). This sequence change creates a premature translational stop signal (p.Phe261Serfs*13) in the KCNQ2 gene. It is expected to result in an absent or disrupted protein product.

Literature cited by the submitters: PubMed 14534157.

NM_172107.4(KCNQ2):c.780_781dup (p.Phe261fs)

Gene: KCNQ2 (potassium voltage-gated channel subfamily Q member 2; minus strand). Cytogenetic location: 20q13.33.
Variant type: Duplication.
Coding change: c.780_781dup on transcript NM_172107.4 (MANE Select); coding-DNA positions 780 to 781, 2 bases duplicated (CT; older notation c.780_781dupCT).
Protein change: p.Phe261fs; shifts the reading frame from phenylalanine 261.
Molecular consequence: frameshift variant.
Genome position (GRCh38, 1-based): chr20:63,442,441-63,442,442, AG duplicated on the plus strand (CT on the coding strand, the reverse complement: KCNQ2 is on the minus strand). VCF-style (leftmost placement, unchanged base first): chr20-63442440-A-AAG. GRCh37 (hg19) VCF-style: chr20-62073793-A-AAG.
Other names: c.780_781dup, p.Phe261fs (NM_004518.6, NM_172106.3, NM_172108.5 and 1 more transcripts); short protein forms F261fs.
Identifiers: ClinVar variation 580204 (VCV000580204.7), dbSNP rs1568932480, ClinGen allele CA891843764.